The following is an entry in ClinVar:

NM_001379500.1(COL18A1):c.1611G>A (p.Pro537=)

Gene: COL18A1 (collagen type XVIII alpha 1 chain; plus strand). Cytogenetic location: 21q22.3.
Variant type: single nucleotide variant.
Coding change: c.1611G>A on transcript NM_001379500.1 (MANE Select); coding-DNA position 1611, G replaced by A.
Protein change: p.Pro537=; no amino-acid change (proline 537 retained).
Molecular consequence: synonymous variant.
Genome position (GRCh38, 1-based): chr21:45,480,858, G>A. VCF-style: chr21-45480858-G-A. GRCh37 (hg19) VCF-style: chr21-46900772-G-A.
Other names: c.2151G>A, p.Pro717= (NM_030582.4); c.2856G>A, p.Pro952= (NM_130444.3).
Identifiers: ClinVar variation 1384678 (VCV001384678.10), dbSNP rs755844755, ClinGen allele CA10066401.

ClinVar aggregate classification (germline): Conflicting classifications of pathogenicity. Review status: criteria provided, conflicting classifications (1 of 4 stars). 3 submissions from 3 submitters: Uncertain significance (2); Likely benign (1). Last evaluated 2026-03-01.

Allele frequency attached by ClinVar (database versions not stated): TOPMed 0.00003; gnomAD 0.00004 and 0.00005; gnomAD exomes 0.00004; ExAC 0.00007.
gnomAD v4.1: 70 of 1,609,482 alleles (0.0043%); highest among the groups gnomAD compares: Admixed American, 0.013%; no homozygotes.

Submissions (4):

CeGaT Center for Human Genetics Tuebingen
Classification: Likely benign. Last evaluated: 2026-03-01. Review status: criteria provided, single submitter. Criteria: CeGaT Center For Human Genetics Tuebingen Variant Classification Criteria Version 2. Collection method: clinical testing. Allele origin: germline. Affected: yes. Observed: 1 variant allele.
Comment: COL18A1: BP4, BP7

Labcorp Genetics (formerly Invitae), Labcorp
Classification: Uncertain significance. Last evaluated: 2024-10-26. Review status: criteria provided, single submitter. Criteria: Invitae Variant Classification Sherloc (09022015). Collection method: clinical testing. Allele origin: germline.
Comment: This sequence change affects codon 537 of the COL18A1 mRNA. It is a 'silent' change, meaning that it does not change the encoded amino acid sequence of the COL18A1 protein. This variant also falls at the last nucleotide of exon 13, which is part of the consensus splice site for this exon. This variant is present in population databases (rs755844755, gnomAD 0.03%). This variant has not been reported in the literature in individuals affected with COL18A1-related conditions. ClinVar contains an entry for this variant (Variation ID: 1384678). Experimental studies and prediction algorithms are not available or were not evaluated, and the functional significance of this variant is currently unknown. Variants that disrupt the consensus splice site are a relatively common cause of aberrant splicing (PMID: 17576681, 9536098). Algorithms developed to predict the effect of sequence changes on RNA splicing suggest that this variant is not likely to affect RNA splicing. In summary, the available evidence is currently insufficient to determine the role of this variant in disease. Therefore, it has been classified as a Variant of Uncertain Significance.

Blueprint Genetics
Classification: Uncertain significance. Last evaluated: 2022-10-21. Review status: criteria provided, single submitter. Criteria: ACMG Guidelines, 2015. Collection method: clinical testing. Allele origin: germline.

Dr. Peter K. Rogan Lab, Western University
No classification provided (evidence only). Condition: Familial cancer of breast. Review status: no classification provided. Collection method: in vitro. Allele origin: not applicable. Functional consequence: skipped exon. Not counted in ClinVar's aggregate classification.

Literature cited by the submitters: PubMed 17576681 (cited by Labcorp Genetics (formerly Invitae), Labcorp); PubMed 9536098 (cited by Labcorp Genetics (formerly Invitae), Labcorp).